The following is an entry in ClinVar:

NM_001199753.2(CPT1C):c.2225C>T (p.Thr742Met)

Gene: CPT1C (carnitine palmitoyltransferase 1C; plus strand). Cytogenetic location: 19q13.33.
Variant type: single nucleotide variant.
Coding change: c.2225C>T on transcript NM_001199753.2 (MANE Select); coding-DNA position 2225, C replaced by T.
Protein change: p.Thr742Met; replaces threonine 742 with methionine.
Molecular consequence: missense variant. On other transcripts: non-coding transcript variant (1).
Genome position (GRCh38, 1-based): chr19:49,713,063, C>T. VCF-style: chr19-49713063-C-T. GRCh37 (hg19) VCF-style: chr19-50216320-C-T.
Other names: c.2192C>T, p.Thr731Met (NM_001136052.3, NM_001378485.1); c.2225C>T, p.Thr742Met (NM_001199752.3, NM_001378483.1, NM_001378484.1 and 1 more transcripts); c.2291C>T, p.Thr764Met (NM_001378482.1); c.2090C>T, p.Thr697Met (NM_001378486.1, NM_001378488.1); c.2057C>T, p.Thr686Met (NM_001378487.1); short protein forms T764M, T697M, T731M, T742M, T686M.
Identifiers: ClinVar variation 2801355 (VCV002801355.3), dbSNP rs766760821, ClinGen allele CA9582463.

ClinVar aggregate classification (germline): Uncertain significance (1 of 4 stars; one submission).

Conditions:
Hereditary spastic paraplegia 73. Also called: Spastic paraplegia 73, autosomal dominant. Identifiers: Orphanet 444099, MedGen C5568981, MONDO:0014568, OMIM 616282.

Allele frequency attached by ClinVar (database versions not stated): ExAC 0.00001; gnomAD exomes below 0.00001.
gnomAD v4.1: 3 of 1,612,898 alleles (0.00019%); highest among the groups gnomAD compares: East Asian, 0.0045%; no homozygotes.

Submission:

Labcorp Genetics (formerly Invitae), Labcorp
Classification: Uncertain significance for Hereditary spastic paraplegia 73. Last evaluated: 2025-02-03. Review status: criteria provided, single submitter. Criteria: Invitae Variant Classification Sherloc (09022015). Collection method: clinical testing. Allele origin: germline.
Comment: This sequence change replaces threonine, which is neutral and polar, with methionine, which is neutral and non-polar, at codon 731 of the CPT1C protein (p.Thr731Met). This variant is present in population databases (rs766760821, gnomAD 0.006%). This variant has not been reported in the literature in individuals affected with CPT1C-related conditions. ClinVar contains an entry for this variant (Variation ID: 2801355). An algorithm developed to predict the effect of missense changes on protein structure and function (PolyPhen-2) suggests that this variant is likely to be disruptive. In summary, the available evidence is currently insufficient to determine the role of this variant in disease. Therefore, it has been classified as a Variant of Uncertain Significance.